The following is an entry in ClinVar:

ClinVar aggregate classification (germline): Benign/Likely benign. Review status: criteria provided, multiple submitters, no conflicts (2 of 4 stars). 2 submissions from 2 submitters: Benign (1); Likely benign (1). Last evaluated 2026-01-14.

Allele frequency attached by ClinVar (database versions not stated): gnomAD 0.00015 and 0.00026; TOPMed 0.00040; gnomAD exomes 0.00041 and 0.00084; ExAC 0.00094; 1000 Genomes Project 30x 0.00156; 1000 Genomes Project 0.00180.

Submissions (2):

Labcorp Genetics (formerly Invitae), Labcorp
Classification: Benign. Last evaluated: 2026-01-14. Review status: criteria provided, single submitter. Criteria: Invitae Variant Classification Sherloc (09022015). Collection method: clinical testing. Allele origin: germline.

CeGaT Center for Human Genetics Tuebingen
Classification: Likely benign. Last evaluated: 2025-07-01. Review status: criteria provided, single submitter. Criteria: CeGaT Center For Human Genetics Tuebingen Variant Classification Criteria Version 2. Collection method: clinical testing. Allele origin: germline. Affected: yes. Observed: 1 variant allele.
Comment: UBR1: BP4, BS1

NM_174916.3(UBR1):c.4077G>A (p.Met1359Ile)

Gene: UBR1 (ubiquitin protein ligase E3 component n-recognin 1; minus strand). Cytogenetic location: 15q15.2.
Variant type: single nucleotide variant.
Coding change: c.4077G>A on transcript NM_174916.3 (MANE Select); coding-DNA position 4077, G replaced by A.
Protein change: p.Met1359Ile; replaces methionine 1359 with isoleucine.
Molecular consequence: missense variant.
Genome position (GRCh38, 1-based): chr15:42,983,970, C>T on the plus strand (G>A on the coding strand, the complement: UBR1 is on the minus strand). VCF-style: chr15-42983970-C-T. GRCh37 (hg19) VCF-style: chr15-43276168-C-T.
Other names: short protein forms M1359I.
Identifiers: ClinVar variation 727004 (VCV000727004.15), dbSNP rs143022130, ClinGen allele CA7517983.